The following is an entry in ClinVar:

NM_001079.4(ZAP70):c.1289G>A (p.Arg430Lys)

Gene: ZAP70 (zeta chain of T cell receptor associated protein kinase 70; plus strand). Cytogenetic location: 2q11.2.
Variant type: single nucleotide variant.
Coding change: c.1289G>A on transcript NM_001079.4 (MANE Select); coding-DNA position 1289, G replaced by A.
Protein change: p.Arg430Lys; replaces arginine 430 with lysine.
Molecular consequence: missense variant.
Genome position (GRCh38, 1-based): chr2:97,735,456, G>A. VCF-style: chr2-97735456-G-A. GRCh37 (hg19) VCF-style: chr2-98351919-G-A.
Other names: c.1289G>A, p.Arg430Lys (NM_001378594.1); c.368G>A, p.Arg123Lys (NM_207519.2); short protein forms R123K, R430K.
Identifiers: ClinVar variation 2634430 (VCV002634430.1), dbSNP rs2482769270, ClinGen allele CA347802287.

ClinVar aggregate classification (germline): Uncertain significance (1 of 4 stars; one submission).

Conditions:
ZAP70-related disorder. Also called: ZAP70-related condition.

Allele frequency attached by ClinVar (database versions not stated): gnomAD exomes below 0.00001.

Submission:

PreventionGenetics, part of Exact Sciences
Classification: Uncertain significance for ZAP70-related condition. Last evaluated: 2023-03-14. Review status: criteria provided, single submitter. Criteria: ACMG Guidelines, 2015. Collection method: clinical testing. Allele origin: germline.
Comment: The ZAP70 c.1289G>A variant is predicted to result in the amino acid substitution p.Arg430Lys. To our knowledge, this variant has not been reported in the literature or in a large population database, indicating this variant is rare. At this time, the clinical significance of this variant is uncertain due to the absence of conclusive functional and genetic evidence.